The following is an entry in ClinVar:

ClinVar aggregate classification (germline): Uncertain significance (1 of 4 stars; one submission).

Submission:

Women's Health and Genetics/Laboratory Corporation of America, LabCorp
Classification: Uncertain significance. Last evaluated: 2024-07-23. Review status: criteria provided, single submitter. Criteria: LabCorp Variant Classification Summary - May 2015. Collection method: clinical testing. Allele origin: germline.
Comment: Variant summary: The variant involves the duplication of exons 4-10 in the CFTR gene. It is assumed to be a tandem duplication in direct orientation (PMIDs: 25640679, 30054569). This Copy Number Variant (CNV) is predicted to result in an in-frame duplication within this gene. A presumed nomenclature of c.(273+1_274-1)_(1392+1_1393-1)dup has been designated for the purposes of this classification. The variant was absent in 21694 control chromosomes (gnomAD). The available data on variant occurrences in the general population are insufficient to allow any conclusion about variant significance. c.(273+1_274-1)_(1392+1_1393-1)dup has been reported in the literature in at least one chromosome from an individual affected with Cystic Fibrosis (Quemener_2010). These data do not allow any conclusion about variant significance. To our knowledge, no experimental evidence demonstrating an impact on protein function has been reported. The following publication has been ascertained in the context of this evaluation (PMID: 20052766). No submitters have cited clinical-significance assessments for this variant to ClinVar. Based on the evidence outlined above, the variant was classified as uncertain significance.

Literature cited by the submitters: PubMed 20052766.

NC_000007.13:g.(117149197_117170952)_(117188878_117199517)dup

Gene: CFTR (CF transmembrane conductance regulator; plus strand). Cytogenetic location: 7q31.2.
Variant type: Duplication.
Identifiers: ClinVar variation 3339376 (VCV003339376.1).